The following is an entry in ClinVar:

ClinVar aggregate classification (germline): Conflicting classifications of pathogenicity. Review status: criteria provided, conflicting classifications (1 of 4 stars). 3 submissions from 3 submitters: Uncertain significance (1); Likely benign (2). Last evaluated 2025-03-15.

Conditions:
Hereditary breast ovarian cancer syndrome. Also called: Hereditary breast and ovarian cancer syndrome; Breast and ovarian cancer; BRCA1- and BRCA2-Associated Hereditary Breast and Ovarian Cancer; Hereditary breast and ovarian cancer; Hereditary breast and/or ovarian cancer syndrome; Hereditary breast and ovarian cancer syndrome (HBOC). Identifiers: Orphanet 145, MedGen C0677776, MeSH D061325, MONDO:0003582. Disease mechanism: loss of function.
Hereditary cancer-predisposing syndrome. Also called: Hereditary neoplastic syndrome; Neoplastic Syndromes, Hereditary; Tumor predisposition; Hereditary Cancer Syndrome. Identifiers: Orphanet 140162, MedGen C0027672, MeSH D009386, MONDO:0015356.

Allele frequency attached by ClinVar (database versions not stated): TOPMed below 0.00001.

Submissions (3):

Ambry Genetics
Classification: Likely benign for Hereditary cancer-predisposing syndrome. Last evaluated: 2025-03-15. Review status: criteria provided, single submitter. Criteria: Ambry Variant Classification Scheme 2023. Collection method: clinical testing. Allele origin: germline.

University of Washington Department of Laboratory Medicine, University of Washington
Classification: Likely benign for Hereditary cancer-predisposing syndrome. Last evaluated: 2023-03-23. Review status: criteria provided, single submitter. Criteria: Dines et al. (Genet Med. 2020). Collection method: curation. Allele origin: germline.
Comment: Missense variant in a coldspot region where missense variants are very unlikely to be pathogenic (PMID:31911673).

BRCA2 exon 10 coldspot. Reclassification based on statistical prior probability.

Labcorp Genetics (formerly Invitae), Labcorp
Classification: Uncertain significance for Hereditary breast ovarian cancer syndrome. Last evaluated: 2019-12-16. Review status: criteria provided, single submitter. Criteria: Invitae Variant Classification Sherloc (09022015). Collection method: clinical testing. Allele origin: germline.
Comment: Algorithms developed to predict the effect of missense changes on protein structure and function are either unavailable or do not agree on the potential impact of this missense change (SIFT: "Tolerated"; PolyPhen-2: "Probably Damaging"; Align-GVGD: "Class C0"). In summary, the available evidence is currently insufficient to determine the role of this variant in disease. Therefore, it has been classified as a Variant of Uncertain Significance. This variant has not been reported in the literature in individuals with BRCA2-related conditions. This sequence change replaces leucine with tryptophan at codon 414 of the BRCA2 protein (p.Leu414Trp). The leucine residue is weakly conserved and there is a small physicochemical difference between leucine and tryptophan. This variant is not present in population databases (ExAC no frequency).

NM_000059.4(BRCA2):c.1241T>G (p.Leu414Trp)

Gene: BRCA2 (BRCA2 DNA repair associated; plus strand). Cytogenetic location: 13q13.1.
Variant type: single nucleotide variant.
Coding change: c.1241T>G on transcript NM_000059.4 (MANE Select); coding-DNA position 1241, T replaced by G.
Protein change: p.Leu414Trp; replaces leucine 414 with tryptophan.
Molecular consequence: missense variant.
Genome position (GRCh38, 1-based): chr13:32,332,719, T>G. VCF-style: chr13-32332719-T-G. GRCh37 (hg19) VCF-style: chr13-32906856-T-G.
Other names: short protein forms L414W.
Identifiers: ClinVar variation 836317 (VCV000836317.15), dbSNP rs397507576, ClinGen allele CA387762233.